The following is an entry in ClinVar:

NM_022489.4(INF2):c.507+7G>A

Gene: INF2 (inverted formin 2; plus strand). Cytogenetic location: 14q32.33.
Variant type: single nucleotide variant.
Coding change: c.507+7G>A on transcript NM_022489.4 (MANE Select); 7 bases into the intron after coding-DNA position 507, G replaced by A.
Molecular consequence: intron variant.
Genome position (GRCh38, 1-based): chr14:104,703,227, G>A. VCF-style: chr14-104703227-G-A. GRCh37 (hg19) VCF-style: chr14-105169564-G-A.
Other names: p.?; c.507+7G>A (NM_001031714.4, NM_032714.3).
Identifiers: ClinVar variation 312678 (VCV000312678.46), dbSNP rs201568246, ClinGen allele CA7372309.

ClinVar aggregate classification (germline): Benign/Likely benign. Review status: criteria provided, multiple submitters, no conflicts (2 of 4 stars). 8 submissions from 8 submitters: Benign (5); Likely benign (3). Last evaluated 2026-02-01.

Conditions:
Charcot-Marie-Tooth disease dominant intermediate E. Also called: CHARCOT-MARIE-TOOTH NEUROPATHY WITH FOCAL SEGMENTAL GLOMERULONEPHRITIS. Identifiers: Orphanet 93114, MedGen C4302667, MONDO:0013758, OMIM 614455.
Focal segmental glomerulosclerosis 5 (FSGS5). Identifiers: Orphanet 656, MedGen C2750475, MONDO:0013191, OMIM 613237.

Allele frequency attached by ClinVar (database versions not stated): 1000 Genomes Project 30x 0.00031; 1000 Genomes Project 0.00040; ESP Exome Variant Server 0.00152; gnomAD 0.00088 and 0.00095; ExAC 0.00093; gnomAD exomes 0.00093 and 0.00147; TOPMed 0.00102.
gnomAD v4.1: 2,256 of 1,613,076 alleles (0.14%); highest among the groups gnomAD compares: Non-Finnish European, 0.17%; 3 homozygotes.

Submissions (8):

CeGaT Center for Human Genetics Tuebingen
Classification: Benign. Last evaluated: 2026-02-01. Review status: criteria provided, single submitter. Criteria: CeGaT Center For Human Genetics Tuebingen Variant Classification Criteria Version 2. Collection method: clinical testing. Allele origin: germline. Affected: yes. Observed: 3 variant alleles.
Comment: INF2: BP4, BS1, BS2

Labcorp Genetics (formerly Invitae), Labcorp
Classification: Benign for Charcot-Marie-Tooth disease dominant intermediate E; Focal segmental glomerulosclerosis 5. Last evaluated: 2026-01-16. Review status: criteria provided, single submitter. Criteria: Invitae Variant Classification Sherloc (09022015). Collection method: clinical testing. Allele origin: germline.

ARUP Laboratories, Molecular Genetics and Genomics, ARUP Laboratories
Classification: Benign. Last evaluated: 2025-04-21. Review status: criteria provided, single submitter. Criteria: ARUP Molecular Germline Variant Investigation Process 2024. Collection method: clinical testing. Allele origin: germline.

Blueprint Genetics
Classification: Likely benign. Last evaluated: 2024-11-25. Review status: criteria provided, single submitter. Criteria: ACMG Guidelines, 2015. Collection method: clinical testing. Allele origin: germline.

Mayo Clinic Laboratories, Mayo Clinic
Classification: Benign. Last evaluated: 2023-06-21. Review status: criteria provided, single submitter. Criteria: ACMG Guidelines, 2015. Collection method: clinical testing. Allele origin: germline. Observed: 10 variant alleles.
Comment: BS1, BS2, BP4, BP7

Fulgent Genetics
Classification: Likely benign for Focal segmental glomerulosclerosis 5; Charcot-Marie-Tooth disease dominant intermediate E. Last evaluated: 2021-09-22. Review status: criteria provided, single submitter. Criteria: ACMG Guidelines, 2015. Collection method: clinical testing. Allele origin: unknown.

GeneDx
Classification: Likely benign. Last evaluated: 2018-04-30. Review status: criteria provided, single submitter. Criteria: GeneDx Variant Classification Process June 2021. Collection method: clinical testing. Allele origin: germline. Affected: yes.

Illumina Laboratory Services, Illumina
Classification: Benign for Focal segmental glomerulosclerosis 5. Last evaluated: 2018-01-13. Review status: criteria provided, single submitter. Criteria: ICSL Variant Classification Criteria 13 December 2019. Collection method: clinical testing. Allele origin: germline.
Comment: This variant was observed in the ICSL laboratory as part of a predisposition screen in an ostensibly healthy population. It had not been previously curated by ICSL or reported in the Human Gene Mutation Database (HGMD: prior to June 1st, 2018), and was therefore a candidate for classification through an automated scoring system. Utilizing variant allele frequency, disease prevalence and penetrance estimates, and inheritance mode, an automated score was calculated to assess if this variant is too frequent to cause the disease. Based on the score and internal cut-off values, a variant classified as benign is not then subjected to further curation. The score for this variant resulted in a classification of benign for this disease.